The following is an entry in ClinVar:

ClinVar aggregate classification (germline): Benign/Likely benign. Review status: criteria provided, multiple submitters, no conflicts (2 of 4 stars). 11 submissions from 11 submitters: Benign (8); Likely benign (1). 2 of the submissions do not count toward it. Last evaluated 2026-01-26.

Conditions:
Inborn genetic diseases. Identifiers: MedGen C0950123, MeSH D030342.
CHARGE syndrome (CHARGE). Also called: Coloboma, heart anomaly, choanal atresia, retardation, genital and ear anomalies; CHARGE association; Hall-Hittner syndrome; CHARGE ASSOCIATION--COLOBOMA, HEART ANOMALY, CHOANAL ATRESIA, RETARDATION, GENITAL AND EAR ANOMALIES; Hittner Hirsch Kreh syndrome. Identifiers: Orphanet 138, MedGen C0265354, MONDO:0008965.

Allele frequency attached by ClinVar (database versions not stated): gnomAD exomes 0.00063; ExAC 0.00075; gnomAD 0.00222 and 0.00239; ESP Exome Variant Server 0.00231; 1000 Genomes Project 0.00260; TOPMed 0.00263; 1000 Genomes Project 30x 0.00265.
gnomAD v4.1: 683 of 1,613,946 alleles (0.042%); highest among the groups gnomAD compares: African/African-American, 0.83%; 4 homozygotes.

Submissions (12):

Labcorp Genetics (formerly Invitae), Labcorp
Classification: Benign for CHARGE syndrome. Last evaluated: 2026-01-26. Review status: criteria provided, single submitter. Criteria: Invitae Variant Classification Sherloc (09022015). Collection method: clinical testing. Allele origin: germline.

CeGaT Center for Human Genetics Tuebingen
Classification: Benign. Last evaluated: 2026-01-01. Review status: criteria provided, single submitter. Criteria: CeGaT Center For Human Genetics Tuebingen Variant Classification Criteria Version 2. Collection method: clinical testing. Allele origin: germline. Affected: yes. Observed: 2 variant alleles.
Comment: CHD7: BS1, BS2

Blueprint Genetics
Classification: Likely benign. Last evaluated: 2024-07-04. Review status: criteria provided, single submitter. Criteria: ACMG Guidelines, 2015. Collection method: clinical testing. Allele origin: germline.

GeneDx
Classification: Benign. Last evaluated: 2019-12-02. Review status: criteria provided, single submitter. Criteria: GeneDx Variant Classification Process June 2021. Collection method: clinical testing. Allele origin: germline. Affected: yes.
Comment: This variant is associated with the following publications: (PMID: 30653986)

Genetic Services Laboratory, University of Chicago
Classification: Benign. Last evaluated: 2017-12-05. Review status: criteria provided, single submitter. Criteria: ACMG Guidelines, 2015. Collection method: clinical testing. Allele origin: germline. Affected: no.

Laboratory for Molecular Medicine, Mass General Brigham Personalized Medicine
Classification: Benign. Last evaluated: 2017-08-23. Review status: criteria provided, single submitter. Criteria: LMM Criteria. Collection method: clinical testing. Allele origin: germline. Observed: 3 variant alleles.
Comment: p.Gly1233Ser in exon 15 of CHD7: This variant is not expected to have clinical s ignificance because it has been identified in 0.87% (85/9800) of African chromos omes by the Exome Aggregation Consortium (ExAC; dbSNP rs190548814).

Ambry Genetics
Classification: Benign for Inborn genetic diseases. Last evaluated: 2017-05-25. Review status: criteria provided, single submitter. Criteria: Ambry Variant Classification Scheme 2023. Collection method: clinical testing. Allele origin: germline.

Eurofins Ntd Llc (ga)
Classification: Benign. Last evaluated: 2014-05-27. Review status: criteria provided, single submitter. Criteria: EGL Classification Definitions 2015. Collection method: clinical testing. Allele origin: germline. Observed: 2 variant alleles, 2 heterozygotes.

Breakthrough Genomics
Classification: Benign. Review status: criteria provided, single submitter. Criteria: ACMG Guidelines, 2015. Collection method: not provided. Allele origin: germline. Inheritance: Autosomal dominant inheritance. Affected: yes.

Clinical Genetics DNA and cytogenetics Diagnostics Lab, Erasmus MC, Erasmus Medical Center
Classification: Likely benign. Review status: no assertion criteria provided. Collection method: clinical testing. Allele origin: germline. Affected: yes. Study: VKGL Data-share Consensus. Not counted in ClinVar's aggregate classification.

Dr. Peter K. Rogan Lab, Western University
No classification provided (evidence only). Condition: Lung cancer. Review status: no classification provided. Collection method: in vitro. Allele origin: not applicable. Functional consequence: retained intron. Not counted in ClinVar's aggregate classification.

Joint Genome Diagnostic Labs from Nijmegen and Maastricht, Radboudumc and MUMC+
Classification: Benign. Review status: no assertion criteria provided. Collection method: clinical testing. Allele origin: germline. Affected: yes. Study: VKGL Data-share Consensus. Not counted in ClinVar's aggregate classification.

NM_017780.4(CHD7):c.3697G>A (p.Gly1233Ser)

Gene: CHD7 (chromodomain helicase DNA binding protein 7; plus strand). Cytogenetic location: 8q12.2.
Variant type: single nucleotide variant.
Coding change: c.3697G>A on transcript NM_017780.4 (MANE Select); coding-DNA position 3697, G replaced by A.
Protein change: p.Gly1233Ser; replaces glycine 1233 with serine.
Molecular consequence: missense variant. On other transcripts: intron variant (1).
Genome position (GRCh38, 1-based): chr8:60,830,496, G>A. VCF-style: chr8-60830496-G-A. GRCh37 (hg19) VCF-style: chr8-61743055-G-A.
Other names: c.3697G>A (LRG_176t1); c.1717-31733G>A (NM_001316690.1); short protein forms G1233S.
Identifiers: ClinVar variation 194546 (VCV000194546.53), dbSNP rs190548814, ClinGen allele CA201225.
Genomic context (GRCh38, chr8:60,830,496, plus strand): 5'-ATTCAGAAGAAATATTACCGAGCCATCCTTGAGAAGAATTTCACATTTCTTTCCAAAGGC[G>A]GTGGTCAAGCTAACGTACCTAACCTATTAAACACTATGATGGAATTGCGGAAGTGCTGCA-3'
Protein context (NP_060250.2, residues 1223-1243): EKNFTFLSKG[Gly1233Ser]GQANVPNLLN